The following is an entry in ClinVar:

ClinVar aggregate classification (germline): Pathogenic (1 of 4 stars; one submission).

Conditions:
Werner syndrome (WRN). Identifiers: Orphanet 902, MedGen C0043119, MONDO:0010196, OMIM 277700.

Submission:

Labcorp Genetics (formerly Invitae), Labcorp
Classification: Pathogenic for Werner syndrome. Last evaluated: 2023-09-08. Review status: criteria provided, single submitter. Criteria: Invitae Variant Classification Sherloc (09022015). Collection method: clinical testing. Allele origin: germline.
Comment: This sequence change creates a premature translational stop signal (p.Pro269Leufs*17) in the WRN gene. It is expected to result in an absent or disrupted protein product. Loss-of-function variants in WRN are known to be pathogenic (PMID: 16673358). For these reasons, this variant has been classified as Pathogenic. This variant has not been reported in the literature in individuals affected with WRN-related conditions. This variant is not present in population databases (gnomAD no frequency).

Literature cited by the submitters: PubMed 16673358.

NM_000553.6(WRN):c.806del (p.Pro269fs)

Gene: WRN (WRN RecQ like helicase; plus strand). Cytogenetic location: 8p12.
Variant type: Deletion.
Coding change: c.806del on transcript NM_000553.6 (MANE Select); coding-DNA position 806, one base deleted (C; older notation c.806delC).
Protein change: p.Pro269fs; shifts the reading frame from proline 269.
Molecular consequence: frameshift variant.
Genome position (GRCh38, 1-based): chr8:31,076,254, C deleted; the last of 2 consecutive C bases (chr8:31,076,253-31,076,254); deleting either gives the same sequence. VCF-style (leftmost placement, unchanged base first): chr8-31076252-TC-T. GRCh37 (hg19) VCF-style: chr8-30933768-TC-T.
Other names: short protein forms P269fs.
Identifiers: ClinVar variation 2822736 (VCV002822736.3), dbSNP rs2535902088, ClinGen allele CA2739279515.